The following is an entry in ClinVar:

ClinVar aggregate classification (germline): Uncertain significance. Review status: criteria provided, multiple submitters, no conflicts (2 of 4 stars). 2 submissions from 2 submitters: Uncertain significance (2). Last evaluated 2025-07-12.

gnomAD v4.1: 9 of 1,542,416 alleles (0.00058%); highest among the groups gnomAD compares: African/African-American, 0.013%; no homozygotes.

Submissions (2):

Ambry Genetics
Classification: Uncertain significance. Last evaluated: 2025-07-12. Review status: criteria provided, single submitter. Criteria: Ambry Variant Classification Scheme 2023. Collection method: clinical testing. Allele origin: germline.

Labcorp Genetics (formerly Invitae), Labcorp
Classification: Uncertain significance. Last evaluated: 2025-02-04. Review status: criteria provided, single submitter. Criteria: Invitae Variant Classification Sherloc (09022015). Collection method: clinical testing. Allele origin: germline.
Comment: This sequence change replaces glutamine, which is neutral and polar, with glutamic acid, which is acidic and polar, at codon 210 of the NAF1 protein (p.Gln210Glu). This variant is present in population databases (rs373731296, gnomAD 0.02%). This variant has not been reported in the literature in individuals affected with NAF1-related conditions. An algorithm developed to predict the effect of missense changes on protein structure and function (PolyPhen-2) suggests that this variant is likely to be tolerated. In summary, the available evidence is currently insufficient to determine the role of this variant in disease. Therefore, it has been classified as a Variant of Uncertain Significance.

NM_138386.3(NAF1):c.628C>G (p.Gln210Glu)

Gene: NAF1 (nuclear assembly factor 1 ribonucleoprotein; minus strand). Cytogenetic location: 4q32.2.
Variant type: single nucleotide variant.
Coding change: c.628C>G on transcript NM_138386.3 (MANE Select); coding-DNA position 628, C replaced by G.
Protein change: p.Gln210Glu; replaces glutamine 210 with glutamic acid.
Molecular consequence: missense variant.
Genome position (GRCh38, 1-based): chr4:163,148,347, G>C on the plus strand (C>G on the coding strand, the complement: NAF1 is on the minus strand). VCF-style: chr4-163148347-G-C. GRCh37 (hg19) VCF-style: chr4-164069499-G-C.
Other names: c.628C>G, p.Gln210Glu (NM_001128931.2); short protein forms Q210E.
Identifiers: ClinVar variation 4116650 (VCV004116650.2).
Genomic context (GRCh38, chr4:163,148,347, plus strand): 5'-CAATTATTAGTGTGTGTTTGGAAACAATTTTTATTAATAGAATTCTTAACATACCTAGTT[G>C]TTCAATAATACTTGAAACCATCCCAAGAGGCTTTAACTCAATATCTTCAGGCAGAATAAT-3'
Protein context (NP_612395.2, residues 200-220): PLGMVSSIIE[Gln210Glu]LVIIESMTNL